The following is an entry in ClinVar:

NM_001258392.3(CLPB):c.1882A>C (p.Lys628Gln)

Gene: CLPB (ClpB family mitochondrial disaggregase; minus strand). Cytogenetic location: 11q13.4.
Variant type: single nucleotide variant.
Coding change: c.1882A>C on transcript NM_001258392.3 (MANE Select); coding-DNA position 1882, A replaced by C.
Protein change: p.Lys628Gln; replaces lysine 628 with glutamine.
Molecular consequence: missense variant.
Genome position (GRCh38, 1-based): chr11:72,293,519, T>G on the plus strand (A>C on the coding strand, the complement: CLPB is on the minus strand). VCF-style: chr11-72293519-T-G. GRCh37 (hg19) VCF-style: chr11-72004563-T-G.
Other names: c.1795A>C, p.Lys599Gln (NM_001258393.3); c.1837A>C, p.Lys613Gln (NM_001258394.3); c.1972A>C, p.Lys658Gln (NM_030813.6); short protein forms K628Q, K599Q, K613Q, K658Q.
Identifiers: ClinVar variation 4837397 (VCV004837397.1).
Genomic context (GRCh38, chr11:72,293,519, plus strand): 5'-GCTTGGGGAGGCGCTTCTCAGCCTGGGGTGAGGGCAGTTCTGGGCTTTTGAGTAGCTGCT[T>G]GTCTGAGTCCTCCACCGTGATGCGCAAAGTACAGCCCCCTGGCAGCAGGTCCTGCTCATA-3'
Protein context (NP_001245321.1, residues 618-638): TLRITVEDSD[Lys628Gln]QLLKSPELPS

ClinVar aggregate classification (germline): Uncertain significance (1 of 4 stars; one submission).

Conditions:
Inborn genetic diseases. Identifiers: MedGen C0950123, MeSH D030342.

gnomAD v4.1: 9 of 1,613,968 alleles (0.00056%); highest among the groups gnomAD compares: Non-Finnish European, 0.00076%; no homozygotes.

Submission:

Ambry Genetics
Classification: Uncertain significance for Inborn genetic diseases. Last evaluated: 2025-12-15. Review status: criteria provided, single submitter. Criteria: Ambry Variant Classification Scheme 2023. Collection method: clinical testing. Allele origin: germline.
Comment: The c.1972A>C (p.K658Q) alteration is located in exon 17 (coding exon 17) of the CLPB gene. This alteration results from a A to C substitution at nucleotide position 1972, causing the lysine (K) at amino acid position 658 to be replaced by a glutamine (Q). Based on data from gnomAD, the C allele has an overall frequency of 0.001% (2/251386) total alleles studied. The highest observed frequency was 0.002% (2/113682) of European (non-Finnish) alleles. Based on insufficient or conflicting evidence, the clinical significance of this alteration remains unclear.